The following is an entry in ClinVar:

ClinVar aggregate classification (germline): Uncertain significance (1 of 4 stars; one submission).

Conditions:
Inborn genetic diseases. Identifiers: MedGen C0950123, MeSH D030342.

Allele frequency attached by ClinVar (database versions not stated): gnomAD exomes below 0.00001; ExAC 0.00001.
gnomAD v4.1: 1 of 1,613,944 alleles (0.000062%); highest among the groups gnomAD compares: South Asian, 0.0011%; no homozygotes.

Submission:

Ambry Genetics
Classification: Uncertain significance for Inborn genetic diseases. Last evaluated: 2023-02-15. Review status: criteria provided, single submitter. Criteria: Ambry Variant Classification Scheme 2023. Collection method: clinical testing. Allele origin: germline.
Comment: The p.A486T variant (also known as c.1456G>A), located in coding exon 15 of the ERCC2 gene, results from a G to A substitution at nucleotide position 1456. The alanine at codon 486 is replaced by threonine, an amino acid with similar properties. This amino acid position is conserved. In addition, the in silico prediction for this alteration is inconclusive. Since supporting evidence is limited at this time, the clinical significance of this alteration remains unclear.

NM_000400.4(ERCC2):c.1456G>A (p.Ala486Thr)

Gene: ERCC2 (ERCC excision repair 2, TFIIH core complex helicase subunit; minus strand). Cytogenetic location: 19q13.32.
Variant type: single nucleotide variant.
Coding change: c.1456G>A on transcript NM_000400.4 (MANE Select); coding-DNA position 1456, G replaced by A.
Protein change: p.Ala486Thr; replaces alanine 486 with threonine.
Molecular consequence: missense variant.
Genome position (GRCh38, 1-based): chr19:45,357,293, C>T on the plus strand (G>A on the coding strand, the complement: ERCC2 is on the minus strand). VCF-style: chr19-45357293-C-T. GRCh37 (hg19) VCF-style: chr19-45860551-C-T.
Other names: short protein forms A486T.
Identifiers: ClinVar variation 2447140 (VCV002447140.2), dbSNP rs766540207, ClinGen allele CA9513288.
Genomic context (GRCh38, chr19:45,357,293, plus strand): 5'-TCCCCTCCCGGCCCCAGCCCTAGCCTCTCCCACTCACCATAGGGCAGAGGCAGACCCGTG[C>T]CAGCGTCATGGTGAAGGTTGCCATGGTGACGGGGTGGAAGTCCAGGATCTTGGGGTAGAT-3'
Protein context (NP_000391.1, residues 476-496): VTMATFTMTL[Ala486Thr]RVCLCPMIIG